The following is an entry in ClinVar:

ClinVar aggregate classification (germline): Pathogenic (1 of 4 stars; one submission).

Conditions:
Marfan syndrome (MFS). Also called: FBN1-Related Marfan Syndrome; MARFAN SYNDROME, TYPE I; Marfan syndrome type 1; Marfan's syndrome; Marfan syndrome, classic. Identifiers: Orphanet 284963, Orphanet 558, MedGen C0024796, MONDO:0007947, OMIM 154700.
Familial thoracic aortic aneurysm and aortic dissection (TAAD). Also called: Thoracic aortic aneurysms and dissections. Identifiers: Orphanet 91387, MedGen C4707243, MONDO:0019625.

Submission:

Labcorp Genetics (formerly Invitae), Labcorp
Classification: Pathogenic for Marfan syndrome; Familial thoracic aortic aneurysm and aortic dissection. Last evaluated: 2025-10-26. Review status: criteria provided, single submitter. Criteria: Invitae Variant Classification Sherloc (09022015). Collection method: clinical testing. Allele origin: germline.
Comment: This sequence change creates a premature translational stop signal (p.Cys1242*) in the FBN1 gene. It is expected to result in an absent or disrupted protein product. Loss-of-function variants in FBN1 are known to be pathogenic (PMID: 17657824, 19293843). This variant is not present in population databases (gnomAD no frequency). This variant has not been reported in the literature in individuals affected with FBN1-related conditions. For these reasons, this variant has been classified as Pathogenic.

Literature cited by the submitters: PubMed 17657824; PubMed 19293843.

NM_000138.5(FBN1):c.3726T>A (p.Cys1242Ter)

Gene: FBN1 (fibrillin 1; minus strand). Cytogenetic location: 15q21.1.
Variant type: single nucleotide variant.
Coding change: c.3726T>A on transcript NM_000138.5 (MANE Select); coding-DNA position 3726, T replaced by A.
Protein change: p.Cys1242Ter; replaces cysteine 1242 with a stop codon.
Molecular consequence: nonsense.
Genome position (GRCh38, 1-based): chr15:48,483,930, A>T on the plus strand (T>A on the coding strand, the complement: FBN1 is on the minus strand). VCF-style: chr15-48483930-A-T. GRCh37 (hg19) VCF-style: chr15-48776127-A-T.
Other names: c.3726T>A, p.Cys1242Ter (NM_001406716.1); short protein forms C1242*.
Identifiers: ClinVar variation 4786531 (VCV004786531.1).